The following is an entry in ClinVar:

ClinVar aggregate classification (germline): Pathogenic (1 of 4 stars; one submission).

Submission:

Labcorp Genetics (formerly Invitae), Labcorp
Classification: Pathogenic. Last evaluated: 2022-06-13. Review status: criteria provided, single submitter. Criteria: Invitae Variant Classification Sherloc (09022015). Collection method: clinical testing. Allele origin: germline.
Comment: For these reasons, this variant has been classified as Pathogenic. This variant has not been reported in the literature in individuals affected with ABCA4-related conditions. This variant is not present in population databases (gnomAD no frequency). This sequence change creates a premature translational stop signal (p.Leu1040Alafs*18) in the ABCA4 gene. It is expected to result in an absent or disrupted protein product. Loss-of-function variants in ABCA4 are known to be pathogenic (PMID: 10958761, 24938718, 25312043, 26780318).

Literature cited by the submitters: PubMed 10958761; PubMed 24938718; PubMed 25312043; PubMed 26780318.

NM_000350.3(ABCA4):c.3117dup (p.Leu1040fs)

Gene: ABCA4 (ATP binding cassette subfamily A member 4; minus strand). Cytogenetic location: 1p22.1.
Variant type: Duplication.
Coding change: c.3117dup on transcript NM_000350.3 (MANE Select); coding-DNA position 3117, one base duplicated (G; older notation c.3117dupG).
Protein change: p.Leu1040fs; shifts the reading frame from leucine 1040.
Molecular consequence: frameshift variant.
Genome position (GRCh38, 1-based): chr1:94,043,409, C duplicated on the plus strand (G on the coding strand, the reverse complement: ABCA4 is on the minus strand). VCF-style (leftmost placement, unchanged base first): chr1-94043408-G-GC. GRCh37 (hg19) VCF-style: chr1-94508964-G-GC.
Other names: c.2895dup, p.Leu966Alafs (NM_001425324.1); short protein forms L1040fs.
Identifiers: ClinVar variation 1459079 (VCV001459079.6), dbSNP rs2101051468, ClinGen allele CA2573132706.